The following is an entry in ClinVar:

NM_001206927.2(DNAH8):c.5707C>G (p.Pro1903Ala)

Gene: DNAH8 (dynein axonemal heavy chain 8; plus strand). Cytogenetic location: 6p21.2.
Variant type: single nucleotide variant.
Coding change: c.5707C>G on transcript NM_001206927.2 (MANE Select); coding-DNA position 5707, C replaced by G.
Protein change: p.Pro1903Ala; replaces proline 1903 with alanine.
Molecular consequence: missense variant.
Genome position (GRCh38, 1-based): chr6:38,853,321, C>G. VCF-style: chr6-38853321-C-G. GRCh37 (hg19) VCF-style: chr6-38821097-C-G.
Other names: c.5056C>G, p.Pro1686Ala (NM_001371.4); short protein forms P1686A, P1903A.
Identifiers: ClinVar variation 2188774 (VCV002188774.5), dbSNP rs759612322, ClinGen allele CA3789456.

ClinVar aggregate classification (germline): Uncertain significance. Review status: criteria provided, multiple submitters, no conflicts (2 of 4 stars). 2 submissions from 2 submitters: Uncertain significance (2). Last evaluated 2023-10-09.

Conditions:
Primary ciliary dyskinesia. Also called: Ciliary dyskinesia. Identifiers: Orphanet 244, MedGen C0008780, MONDO:0016575, HP:0012265.

Allele frequency attached by ClinVar (database versions not stated): ExAC 0.00002.
gnomAD v4.1: 10 of 1,613,378 alleles (0.00062%); highest among the groups gnomAD compares: Non-Finnish European, 0.00085%; no homozygotes.

Submissions (2):

Blueprint Genetics
Classification: Uncertain significance. Last evaluated: 2023-10-09. Review status: criteria provided, single submitter. Criteria: ACMG Guidelines, 2015. Collection method: clinical testing. Allele origin: germline.

Labcorp Genetics (formerly Invitae), Labcorp
Classification: Uncertain significance for Primary ciliary dyskinesia. Last evaluated: 2022-01-04. Review status: criteria provided, single submitter. Criteria: Invitae Variant Classification Sherloc (09022015). Collection method: clinical testing. Allele origin: germline.
Comment: In summary, the available evidence is currently insufficient to determine the role of this variant in disease. Therefore, it has been classified as a Variant of Uncertain Significance. Algorithms developed to predict the effect of sequence changes on RNA splicing suggest that this variant may create or strengthen a splice site. Algorithms developed to predict the effect of missense changes on protein structure and function are either unavailable or do not agree on the potential impact of this missense change (SIFT: "Tolerated"; PolyPhen-2: "Not Available"; Align-GVGD: "Class C0"). This variant has not been reported in the literature in individuals affected with DNAH8-related conditions. This variant is present in population databases (rs759612322, gnomAD 0.002%). This sequence change replaces proline, which is neutral and non-polar, with alanine, which is neutral and non-polar, at codon 1903 of the DNAH8 protein (p.Pro1903Ala).